The following is an entry in ClinVar:

ClinVar aggregate classification (germline): Likely benign. Review status: criteria provided, multiple submitters, no conflicts (2 of 4 stars). 5 submissions from 5 submitters: Likely benign (5). Last evaluated 2026-04-01.

Conditions:
Tietz syndrome (TADS). Also called: HYPOPIGMENTATION/DEAFNESS OF TIETZ; TIETZ ALBINISM-DEAFNESS SYNDROME; ALBINISM-DEAFNESS OF TIETZ. Identifiers: Orphanet 42665, MedGen C0391816, MONDO:0007077, OMIM 103500.
Waardenburg syndrome type 2A (WS2A). Also called: WAARDENBURG SYNDROME WITHOUT DYSTOPIA CANTHORUM. Identifiers: Orphanet 3440, MedGen C1860339, MONDO:0008671, OMIM 193510.
Melanoma, cutaneous malignant, susceptibility to, 8. Also called: Cutaneous malignant melanoma 8; MELANOMA AND RENAL CELL CARCINOMA, SUSCEPTIBILITY TO. Identifiers: Orphanet 293822, MedGen C3152204, MONDO:0013759, OMIM 614456.
Hereditary cancer-predisposing syndrome. Also called: Neoplastic Syndromes, Hereditary; Hereditary Cancer Syndrome; Hereditary neoplastic syndrome; Tumor predisposition. Identifiers: Orphanet 140162, MedGen C0027672, MeSH D009386, MONDO:0015356.

Allele frequency attached by ClinVar (database versions not stated): ExAC 0.00003; gnomAD exomes 0.00005; gnomAD 0.00008; TOPMed 0.00017.
gnomAD v4.1: 92 of 1,613,858 alleles (0.0057%); highest among the groups gnomAD compares: East Asian, 0.087%; 1 homozygote.

Submissions (5):

CeGaT Center for Human Genetics Tuebingen
Classification: Likely benign. Last evaluated: 2026-04-01. Review status: criteria provided, single submitter. Criteria: CeGaT Center For Human Genetics Tuebingen Variant Classification Criteria Version 2. Collection method: clinical testing. Allele origin: germline. Affected: yes. Observed: 2 variant alleles.
Comment: MITF: BP4, BP7

Labcorp Genetics (formerly Invitae), Labcorp
Classification: Likely benign for Melanoma, cutaneous malignant, susceptibility to, 8; Waardenburg syndrome type 2A; Tietz syndrome. Last evaluated: 2026-01-25. Review status: criteria provided, single submitter. Criteria: Invitae Variant Classification Sherloc (09022015). Collection method: clinical testing. Allele origin: germline.

Ambry Genetics
Classification: Likely benign for Hereditary cancer-predisposing syndrome. Last evaluated: 2024-11-23. Review status: criteria provided, single submitter. Criteria: Ambry Variant Classification Scheme 2023. Collection method: clinical testing. Allele origin: germline.

Blueprint Genetics
Classification: Likely benign. Last evaluated: 2022-10-28. Review status: criteria provided, single submitter. Criteria: ACMG Guidelines, 2015. Collection method: clinical testing. Allele origin: germline.

GeneDx
Classification: Likely benign. Last evaluated: 2021-06-24. Review status: criteria provided, single submitter. Criteria: GeneDx Variant Classification Process June 2021. Collection method: clinical testing. Allele origin: germline. Affected: yes.

NM_001354604.2(MITF):c.654G>A (p.Ala218=)

Gene: MITF (melanocyte inducing transcription factor; plus strand). Cytogenetic location: 3p13.
Variant type: single nucleotide variant.
Coding change: c.654G>A on transcript NM_001354604.2 (MANE Select); coding-DNA position 654, G replaced by A.
Protein change: p.Ala218=; no amino-acid change (alanine 218 retained).
Molecular consequence: synonymous variant.
Genome position (GRCh38, 1-based): chr3:69,939,169, G>A. VCF-style: chr3-69939169-G-A. GRCh37 (hg19) VCF-style: chr3-69988320-G-A.
Other names: c.333G>A, p.Ala111= (NM_000248.4, NM_198158.3); c.498G>A, p.Ala166= (NM_001184967.2, NM_001354608.2); c.651G>A, p.Ala217= (NM_001354605.2, NM_001354606.2, NM_006722.3); c.603G>A, p.Ala201= (NM_001354607.2); c.654G>A, p.Ala218= (NM_198159.3); c.606G>A, p.Ala202= (NM_198177.3); c.165G>A, p.Ala55= (NM_198178.3).
Identifiers: ClinVar variation 1204821 (VCV001204821.24), dbSNP rs200769309, ClinGen allele CA2490412.